The following is an entry in ClinVar:

NM_007317.3(KIF22):c.17C>G (p.Ser6Trp)

Gene: KIF22 (kinesin family member 22; plus strand). Cytogenetic location: 16p11.2.
Variant type: single nucleotide variant.
Coding change: c.17C>G on transcript NM_007317.3 (MANE Select); coding-DNA position 17, C replaced by G.
Protein change: p.Ser6Trp; replaces serine 6 with tryptophan.
Molecular consequence: missense variant. On other transcripts: 5 prime UTR variant (1).
Genome position (GRCh38, 1-based): chr16:29,790,776, C>G. VCF-style: chr16-29790776-C-G. GRCh37 (hg19) VCF-style: chr16-29802097-C-G.
Other names: c.-237C>G (NM_001256269.2); short protein forms S6W.
Identifiers: ClinVar variation 3611666 (VCV003611666.2).
Genomic context (GRCh38, chr16:29,790,776, plus strand): 5'-CCGGGGAATTCGAATGGGAGAGGCGGGCCCAAGGAGGGAGTGGAATGGCCGCGGGCGGCT[C>G]GACGCAGCAGAGGCGACGCGAGATGGCGGCAGCTTCAGCGGCGGCGATCTCAGGTACTTG-3'
Protein context (NP_015556.1, residues 1-16): MAAGG[Ser6Trp]TQQRRREMAA

ClinVar aggregate classification (germline): Uncertain significance (1 of 4 stars; one submission).

gnomAD v4.1: 14 of 1,599,298 alleles (0.00088%); highest among the groups gnomAD compares: African/African-American, 0.008%; no homozygotes.

Submission:

Labcorp Genetics (formerly Invitae), Labcorp
Classification: Uncertain significance. Last evaluated: 2024-06-04. Review status: criteria provided, single submitter. Criteria: Invitae Variant Classification Sherloc (09022015). Collection method: clinical testing. Allele origin: germline.
Comment: This sequence change replaces serine, which is neutral and polar, with tryptophan, which is neutral and slightly polar, at codon 6 of the KIF22 protein (p.Ser6Trp). This variant is present in population databases (rs368873294, gnomAD 0.005%). This variant has not been reported in the literature in individuals affected with KIF22-related conditions. An algorithm developed to predict the effect of missense changes on protein structure and function (PolyPhen-2) suggests that this variant is likely to be disruptive. In summary, the available evidence is currently insufficient to determine the role of this variant in disease. Therefore, it has been classified as a Variant of Uncertain Significance.